The following is an entry in ClinVar:

NM_032578.4(MYPN):c.3493+14del

Gene: MYPN (myopalladin; plus strand). Cytogenetic location: 10q21.3.
Variant type: Deletion.
Coding change: c.3493+14del on transcript NM_032578.4 (MANE Select); 14 bases into the intron after coding-DNA position 3493, one base deleted (C; older notation c.3493+14delC).
Molecular consequence: intron variant.
Genome position (GRCh38, 1-based): chr10:68,199,589, C deleted. VCF-style (leftmost placement, unchanged base first): chr10-68199588-GC-G. GRCh37 (hg19) VCF-style: chr10-69959345-GC-G.
Other names: c.3493+14del (NM_001256267.2); c.2611+14del (NM_001256268.2); c.3493+14delC (NM_032578.3).
Identifiers: ClinVar variation 201873 (VCV000201873.1), dbSNP rs794729069, ClinGen allele CA335277.

ClinVar aggregate classification (germline): Benign (1 of 4 stars; one submission).

Conditions:
Cardiomyopathy (CMYO). Also called: Cardiomyopathies. Identifiers: Orphanet 167848, MedGen C0878544, MONDO:0004994, HP:0001638. Inheritance: Various modes of inheritance.

Submission:

GeneDx
Classification: Benign for Cardiomyopathy. Last evaluated: 2014-04-21. Review status: criteria provided, single submitter. Criteria: GeneDx Variant Classification (06012015). Collection method: clinical testing. Allele origin: germline. Affected: yes.
Comment: The variant is found in CARDIOMYOPATHY panel(s).